The following is an entry in ClinVar:

NM_003673.4(TCAP):c.456del (p.Arg153fs)

Gene: TCAP (titin-cap; plus strand). Cytogenetic location: 17q12.
Variant type: Deletion.
Coding change: c.456del on transcript NM_003673.4 (MANE Select); coding-DNA position 456, one base deleted (T; older notation c.456delT).
Protein change: p.Arg153fs; shifts the reading frame from arginine 153.
Molecular consequence: frameshift variant.
Genome position (GRCh38, 1-based): chr17:39,666,061, T deleted; the last of 2 consecutive T bases (chr17:39,666,060-39,666,061); deleting either gives the same sequence. VCF-style (leftmost placement, unchanged base first): chr17-39666059-CT-C. GRCh37 (hg19) VCF-style: chr17-37822312-CT-C.
Other names: short protein forms R153fs.
Identifiers: ClinVar variation 3758647 (VCV003758647.2).

ClinVar aggregate classification (germline): Uncertain significance (1 of 4 stars; one submission).

Conditions:
Primary familial hypertrophic cardiomyopathy (HCM). Identifiers: Orphanet 99739, MedGen C0949658, MeSH D024741, MONDO:0024573. Inheritance: Various modes of inheritance.
Hypertrophic cardiomyopathy 25 (CMH25). Also called: CARDIOMYOPATHY, FAMILIAL HYPERTROPHIC, 25. Identifiers: MedGen C4225408, MONDO:0011843, OMIM 607487.

Submission:

Labcorp Genetics (formerly Invitae), Labcorp
Classification: Uncertain significance for Hypertrophic cardiomyopathy 25; Primary familial hypertrophic cardiomyopathy. Last evaluated: 2024-09-11. Review status: criteria provided, single submitter. Criteria: Invitae Variant Classification Sherloc (09022015). Collection method: clinical testing. Allele origin: germline.
Comment: This sequence change results in a frameshift in the TCAP gene (p.Arg153Valfs*35). While this is not anticipated to result in nonsense mediated decay, it is expected to disrupt the last 15 amino acid(s) of the TCAP protein and extend the protein by 19 additional amino acid residues. This variant is not present in population databases (gnomAD no frequency). This variant has not been reported in the literature in individuals affected with TCAP-related conditions. Experimental studies and prediction algorithms are not available or were not evaluated, and the functional significance of this variant is currently unknown. In summary, the available evidence is currently insufficient to determine the role of this variant in disease. Therefore, it has been classified as a Variant of Uncertain Significance.